The following is an entry in ClinVar:

ClinVar aggregate classification (germline): Likely benign. Review status: criteria provided, multiple submitters, no conflicts (2 of 4 stars). 2 submissions from 2 submitters: Likely benign (2). Last evaluated 2025-10-01.

Conditions:
Inborn genetic diseases. Identifiers: MedGen C0950123, MeSH D030342.

Allele frequency attached by ClinVar (database versions not stated): TOPMed 0.00001; gnomAD exomes 0.00002.
gnomAD v4.1: 22 of 1,613,958 alleles (0.0014%); highest among the groups gnomAD compares: Non-Finnish European, 0.0019%; no homozygotes.

Submissions (2):

CeGaT Center for Human Genetics Tuebingen
Classification: Likely benign. Last evaluated: 2025-10-01. Review status: criteria provided, single submitter. Criteria: CeGaT Center For Human Genetics Tuebingen Variant Classification Criteria Version 2. Collection method: clinical testing. Allele origin: germline. Affected: yes. Observed: 1 variant allele.
Comment: PACS1: PP2, BP4, BS2

Ambry Genetics
Classification: Likely benign for Inborn genetic diseases. Last evaluated: 2023-07-14. Review status: criteria provided, single submitter. Criteria: Ambry Variant Classification Scheme 2023. Collection method: clinical testing. Allele origin: germline.

NM_018026.4(PACS1):c.490A>G (p.Ser164Gly)

Gene: PACS1 (phosphofurin acidic cluster sorting protein 1; plus strand). Cytogenetic location: 11q13.2.
Variant type: single nucleotide variant.
Coding change: c.490A>G on transcript NM_018026.4 (MANE Select); coding-DNA position 490, A replaced by G.
Protein change: p.Ser164Gly; replaces serine 164 with glycine.
Molecular consequence: missense variant.
Genome position (GRCh38, 1-based): chr11:66,210,407, A>G. VCF-style: chr11-66210407-A-G. GRCh37 (hg19) VCF-style: chr11-65977878-A-G.
Other names: short protein forms S164G.
Identifiers: ClinVar variation 2612186 (VCV002612186.8), dbSNP rs1457457485, ClinGen allele CA381339346.